The following is an entry in ClinVar:

ClinVar aggregate classification (germline): Uncertain significance (1 of 4 stars; one submission).

gnomAD v4.1: 3 of 1,544,216 alleles (0.00019%); highest among the groups gnomAD compares: African/African-American, 0.0014%; no homozygotes.

Submission:

Ambry Genetics
Classification: Uncertain significance. Last evaluated: 2026-04-22. Review status: criteria provided, single submitter. Criteria: Ambry Variant Classification Scheme 2023. Collection method: clinical testing. Allele origin: germline.
Comment: The p.H1432R variant (also known as c.4295A>G), located in coding exon 14 of the CDK12 gene, results from an A to G substitution at nucleotide position 4295. The histidine at codon 1432 is replaced by arginine, an amino acid with highly similar properties. This amino acid position is conserved. In addition, this alteration is predicted to be tolerated by in silico analysis. Based on the available evidence, the clinical significance of this variant remains unclear.

NM_016507.4(CDK12):c.4295A>G (p.His1432Arg)

Gene: CDK12 (cyclin dependent kinase 12; plus strand). Cytogenetic location: 17q12.
Variant type: single nucleotide variant.
Coding change: c.4295A>G on transcript NM_016507.4 (MANE Select); coding-DNA position 4295, A replaced by G.
Protein change: p.His1432Arg; replaces histidine 1432 with arginine.
Molecular consequence: missense variant.
Genome position (GRCh38, 1-based): chr17:39,531,138, A>G. VCF-style: chr17-39531138-A-G. GRCh37 (hg19) VCF-style: chr17-37687391-A-G.
Other names: c.4268A>G, p.His1423Arg (NM_015083.4); short protein forms H1423R, H1432R.
Identifiers: ClinVar variation 4868498 (VCV004868498.1).
Genomic context (GRCh38, chr17:39,531,138, plus strand): 5'-TACACCCGGTGGTCGGGCAACCATTCCTGAAGGCTGAGGGAAGCAGCAATTCTGTGGTAC[A>G]TGCAGAGACCAAATTGCAAAACTATGGGGAGCTGGGGCCAGGAACCACTGGGGCCAGCAG-3'
Protein context (NP_057591.2, residues 1422-1442): KAEGSSNSVV[His1432Arg]AETKLQNYGE